The following is an entry in ClinVar:

NM_001083619.3(GRIA2):c.1543C>T (p.Pro515Ser)

Gene: GRIA2 (glutamate ionotropic receptor AMPA type subunit 2; plus strand). Cytogenetic location: 4q32.1.
Variant type: single nucleotide variant.
Coding change: c.1543C>T on transcript NM_001083619.3 (MANE Select); coding-DNA position 1543, C replaced by T.
Protein change: p.Pro515Ser; replaces proline 515 with serine.
Molecular consequence: missense variant.
Genome position (GRCh38, 1-based): chr4:157,336,446, C>T. VCF-style: chr4-157336446-C-T. GRCh37 (hg19) VCF-style: chr4-158257598-C-T.
Other names: c.1543C>T, p.Pro515Ser (NM_000826.6); c.1402C>T, p.Pro468Ser (NM_001083620.3, NM_001379000.3, NM_001379001.3); short protein forms P468S, P515S.
Identifiers: ClinVar variation 1355734 (VCV001355734.6), dbSNP rs1233990840, ClinGen allele CA358648021.
Genomic context (GRCh38, chr4:157,336,446, plus strand): 5'-ATTGCAATTGCTCCATTAACTATTACCCTTGTGAGAGAAGAGGTGATTGACTTCTCAAAG[C>T]CCTTCATGAGCCTCGGGATATCTATCATGATCAAGAAGCCTCAGAAGTCCAAACCAGGAG-3'
Protein context (NP_001077088.2, residues 505-525): VREEVIDFSK[Pro515Ser]FMSLGISIMI

ClinVar aggregate classification (germline): Uncertain significance (1 of 4 stars; one submission).

Submission:

Labcorp Genetics (formerly Invitae), Labcorp
Classification: Uncertain significance. Last evaluated: 2021-05-21. Review status: criteria provided, single submitter. Criteria: Invitae Variant Classification Sherloc (09022015). Collection method: clinical testing. Allele origin: germline.
Comment: This variant is not present in population databases (ExAC no frequency). This sequence change replaces proline with serine at codon 515 of the GRIA2 protein (p.Pro515Ser). The proline residue is highly conserved and there is a moderate physicochemical difference between proline and serine. In summary, the available evidence is currently insufficient to determine the role of this variant in disease. Therefore, it has been classified as a Variant of Uncertain Significance. Algorithms developed to predict the effect of missense changes on protein structure and function are either unavailable or do not agree on the potential impact of this missense change (SIFT: "Deleterious"; PolyPhen-2: "Probably Damaging"; Align-GVGD: "Class C0"). This variant has not been reported in the literature in individuals with GRIA2-related conditions.